The following is an entry in ClinVar:

ClinVar aggregate classification (germline): Uncertain significance (1 of 4 stars; one submission).

gnomAD v4.1: 1 of 1,497,896 alleles (0.000067%); highest among the groups gnomAD compares: Non-Finnish European, 0.000089%; no homozygotes.

Submission:

Labcorp Genetics (formerly Invitae), Labcorp
Classification: Uncertain significance. Last evaluated: 2024-11-04. Review status: criteria provided, single submitter. Criteria: Invitae Variant Classification Sherloc (09022015). Collection method: clinical testing. Allele origin: germline.
Comment: This sequence change replaces proline, which is neutral and non-polar, with leucine, which is neutral and non-polar, at codon 724 of the DHX37 protein (p.Pro724Leu). This variant is not present in population databases (gnomAD no frequency). This variant has not been reported in the literature in individuals affected with DHX37-related conditions. Invitae Evidence Modeling of protein sequence and biophysical properties (such as structural, functional, and spatial information, amino acid conservation, physicochemical variation, residue mobility, and thermodynamic stability) indicates that this missense variant is expected to disrupt DHX37 protein function with a positive predictive value of 80%. In summary, the available evidence is currently insufficient to determine the role of this variant in disease. Therefore, it has been classified as a Variant of Uncertain Significance.

NM_032656.4(DHX37):c.2171C>T (p.Pro724Leu)

Gene: DHX37 (DEAH-box helicase 37; minus strand). Cytogenetic location: 12q24.31.
Variant type: single nucleotide variant.
Coding change: c.2171C>T on transcript NM_032656.4 (MANE Select); coding-DNA position 2171, C replaced by T.
Protein change: p.Pro724Leu; replaces proline 724 with leucine.
Molecular consequence: missense variant.
Genome position (GRCh38, 1-based): chr12:124,957,122, G>A on the plus strand (C>T on the coding strand, the complement: DHX37 is on the minus strand). VCF-style: chr12-124957122-G-A. GRCh37 (hg19) VCF-style: chr12-125441668-G-A.
Other names: short protein forms P724L.
Identifiers: ClinVar variation 3718313 (VCV003718313.2).